The following is an entry in ClinVar:

NM_012123.4(MTO1):c.718C>T (p.Pro240Ser)

Gene: MTO1 (mitochondrial tRNA translation optimization 1; plus strand). Cytogenetic location: 6q13.
Variant type: single nucleotide variant.
Coding change: c.718C>T on transcript NM_012123.4 (MANE Select); coding-DNA position 718, C replaced by T.
Protein change: p.Pro240Ser; replaces proline 240 with serine.
Molecular consequence: missense variant.
Genome position (GRCh38, 1-based): chr6:73,473,547, C>T. VCF-style: chr6-73473547-C-T. GRCh37 (hg19) VCF-style: chr6-74183270-C-T.
Other names: c.718C>T, p.Pro240Ser (NM_001123226.2, NM_133645.3); short protein forms P240S.
Identifiers: ClinVar variation 1371481 (VCV001371481.6), dbSNP rs1192411843, ClinGen allele CA364713903.

ClinVar aggregate classification (germline): Uncertain significance (1 of 4 stars; one submission).

Conditions:
Mitochondrial hypertrophic cardiomyopathy with lactic acidosis due to MTO1 deficiency. Also called: Combined oxidative phosphorylation deficiency 10; CARDIOMYOPATHY, INFANTILE HYPERTROPHIC MITOCHONDRIAL, AND LACTIC ACIDOSIS. Identifiers: Orphanet 314637, MedGen C4749921, MONDO:0013865, OMIM 614702.

gnomAD v4.1: 1 of 1,613,910 alleles (0.000062%); highest among the groups gnomAD compares: East Asian, 0.0022%; no homozygotes.

Submission:

Labcorp Genetics (formerly Invitae), Labcorp
Classification: Uncertain significance for Mitochondrial hypertrophic cardiomyopathy with lactic acidosis due to MTO1 deficiency. Last evaluated: 2025-12-15. Review status: criteria provided, single submitter. Criteria: Invitae Variant Classification Sherloc (09022015). Collection method: clinical testing. Allele origin: germline.
Comment: This sequence change replaces proline, which is neutral and non-polar, with serine, which is neutral and polar, at codon 240 of the MTO1 protein (p.Pro240Ser). This variant is not present in population databases (gnomAD no frequency). This variant has not been reported in the literature in individuals affected with MTO1-related conditions. ClinVar contains an entry for this variant (Variation ID: 1371481). Invitae Evidence Modeling of protein sequence and biophysical properties (such as structural, functional, and spatial information, amino acid conservation, physicochemical variation, residue mobility, and thermodynamic stability) has been performed for this missense variant. However, the output from this modeling did not meet the statistical confidence thresholds required to predict the impact of this variant on MTO1 protein function. In summary, the available evidence is currently insufficient to determine the role of this variant in disease. Therefore, it has been classified as a Variant of Uncertain Significance.